The following is an entry in ClinVar:

ClinVar aggregate classification (germline): Likely benign (0 of 4 stars; one submission).

Conditions:
PPAN-P2RY11-related disorder. Also called: PPAN-P2RY11-related condition.

gnomAD v4.1: 37 of 1,610,112 alleles (0.0023%); highest among the groups gnomAD compares: South Asian, 0.036%; no homozygotes.

Submission:

PreventionGenetics, part of Exact Sciences
Classification: Likely benign for PPAN-P2RY11-related condition. Last evaluated: 2019-02-21. Review status: no assertion criteria provided. Collection method: clinical testing. Allele origin: germline.
Comment: This variant is classified as likely benign based on ACMG/AMP sequence variant interpretation guidelines (Richards et al. 2015 PMID: 25741868, with internal and published modifications).

NM_001040664.3(PPAN-P2RY11):c.2166C>T (p.Gly722=)

Genes: P2RY11 (purinergic receptor P2Y11; plus strand), PPAN-P2RY11 (PPAN-P2RY11 readthrough; plus strand). Cytogenetic location: 19p13.2.
Variant type: single nucleotide variant.
Coding change: c.2166C>T on transcript NM_001040664.3; coding-DNA position 2166, C replaced by T.
Protein change: p.Gly722=; no amino-acid change (glycine 722 retained).
Molecular consequence: synonymous variant. On other transcripts: 3 prime UTR variant (1).
Genome position (GRCh38, 1-based): chr19:10,114,519, C>T. VCF-style: chr19-10114519-C-T. GRCh37 (hg19) VCF-style: chr19-10225195-C-T.
Other names: c.906C>T, p.Gly302= (NM_002566.5); c.*665C>T (NM_001198690.2).
Identifiers: ClinVar variation 3353037 (VCV003353037.1).